The following is an entry in ClinVar:

NM_001267550.2(TTN):c.1972_1975del (p.Ser657_Thr658insTer)

Gene: TTN (titin; minus strand). Cytogenetic location: 2q31.2.
Variant type: Deletion.
Coding change: c.1972_1975del on transcript NM_001267550.2 (MANE Select); coding-DNA positions 1972 to 1975, 4 bases deleted (ACAA; older notation c.1972_1975delACAA).
Protein change: p.Ser657_Thr658insTer.
Molecular consequence: nonsense.
Genome position (GRCh38, 1-based): chr2:178,789,461-178,789,464, TTGT deleted on the plus strand (ACAA on the coding strand, the reverse complement: TTN is on the minus strand). VCF-style (leftmost placement, unchanged base first): chr2-178789460-ATTGT-A. GRCh37 (hg19) VCF-style: chr2-179654187-ATTGT-A.
Other names: c.1972_1975del, p.Ser657_Thr658insTer (NM_001256850.1, NM_133378.4, NM_133379.5); c.1834_1837del, p.Ser611_Thr612insTer (NM_003319.4, NM_133432.3, NM_133437.4).
Identifiers: ClinVar variation 3749531 (VCV003749531.2).
Genomic context (GRCh38, chr2:178,789,460, plus strand): 5'-ATAGTTTCTCTAGTTCTCAGTATTGTTTCTTGTTCTTTGGCTTTAGCAGTAGCAACTGCT[ATTGT>A]AGACAAGGCAGTTTTCTCGGCTTCCTTTCTCATCTGATTATTACAGTAAAATCAAGATTT-3'

ClinVar aggregate classification (germline): Likely pathogenic (1 of 4 stars; one submission).

Conditions:
Dilated cardiomyopathy 1G (CMD1G). Identifiers: Orphanet 154, MedGen C1858763, MONDO:0011400, OMIM 604145.
Autosomal recessive limb-girdle muscular dystrophy type 2J (LGMDR10). Also called: Limb-girdle muscular dystrophy, type 2J; MUSCULAR DYSTROPHY, LIMB-GIRDLE, AUTOSOMAL RECESSIVE 10. Identifiers: Orphanet 140922, MedGen C1837342, MONDO:0012127, OMIM 608807.

Submission:

Labcorp Genetics (formerly Invitae), Labcorp
Classification: Likely pathogenic for Dilated cardiomyopathy 1G; Autosomal recessive limb-girdle muscular dystrophy type 2J. Last evaluated: 2024-02-11. Review status: criteria provided, single submitter. Criteria: Invitae Variant Classification Sherloc (09022015). Collection method: clinical testing. Allele origin: germline.
Comment: This sequence change creates a premature translational stop signal (p.Thr658*) in the TTN gene. While this is not anticipated to result in nonsense mediated decay, it is expected to create a truncated TTN protein. This variant is not present in population databases (gnomAD no frequency). This variant has not been reported in the literature in individuals affected with TTN-related conditions. Algorithms developed to predict the effect of sequence changes on RNA splicing suggest that this variant may disrupt the consensus splice site. This variant is located in the Z band of TTN (PMID: 25589632). Truncating variants in this region have been reported in individuals affected with autosomal recessive centronuclear myopathy (PMID: 33449170, Invitae internal data). Truncating variants in this region have also been identified in individuals affected with autosomal dominant dilated cardiomyopathy and/or cardio-related conditions (PMID: 27869827, 32964742, Invitae internal data). In summary, the currently available evidence indicates that the variant is pathogenic, but additional data are needed to prove that conclusively. Therefore, this variant has been classified as Likely Pathogenic.

Literature cited by the submitters: PubMed 25589632; PubMed 33449170; PubMed 27869827; PubMed 32964742.